The following is an entry in ClinVar:

ClinVar aggregate classification (germline): Uncertain significance. Review status: criteria provided, multiple submitters, no conflicts (2 of 4 stars). 2 submissions from 2 submitters: Uncertain significance (2). Last evaluated 2025-07-19.

Conditions:
Inborn genetic diseases. Identifiers: MedGen C0950123, MeSH D030342.

Submissions (2):

Ambry Genetics
Classification: Uncertain significance for Inborn genetic diseases. Last evaluated: 2025-07-19. Review status: criteria provided, single submitter. Criteria: Ambry Variant Classification Scheme 2023. Collection method: clinical testing. Allele origin: germline.
Comment: The p.P173L variant (also known as c.518C>T), located in coding exon 5 of the ETV6 gene, results from a C to T substitution at nucleotide position 518. The proline at codon 173 is replaced by leucine, an amino acid with similar properties. This amino acid position is conserved. In addition, this alteration is predicted to be tolerated by in silico analysis. Based on the available evidence, the clinical significance of this variant remains unclear.

Mendelics
Classification: Uncertain significance. Last evaluated: 2022-05-04. Review status: criteria provided, single submitter. Criteria: Mendelics Assertion Criteria 2019. Collection method: clinical testing. Allele origin: germline.

NM_001987.5(ETV6):c.518C>T (p.Pro173Leu)

Gene: ETV6 (ETS variant transcription factor 6; plus strand). Cytogenetic location: 12p13.2.
Variant type: single nucleotide variant.
Coding change: c.518C>T on transcript NM_001987.5 (MANE Select); coding-DNA position 518, C replaced by T.
Protein change: p.Pro173Leu; replaces proline 173 with leucine.
Molecular consequence: missense variant.
Genome position (GRCh38, 1-based): chr12:11,869,478, C>T. VCF-style: chr12-11869478-C-T. GRCh37 (hg19) VCF-style: chr12-12022412-C-T.
Other names: c.518C>T (NM_001987.4); short protein forms P173L.
Identifiers: ClinVar variation 1684718 (VCV001684718.2), dbSNP rs1428361713, ClinGen allele CA384043402.